The following is an entry in ClinVar:

NM_000053.4(ATP7B):c.1286-191_1365delinsGAA

Gene: ATP7B (ATPase copper transporting beta; minus strand). Cytogenetic location: 13q14.3.
Variant type: Indel.
Coding change: c.1286-191_1365delinsGAA on transcript NM_000053.4 (MANE Select); 191 bases into the intron before coding-DNA position 1286 through coding-DNA position 1365, the reference bases replaced by GAA.
Molecular consequence: splice acceptor variant. On other transcripts: intron variant (1).
Genome position (GRCh38, 1-based): chr13:51,970,670-51,970,940, 271 bases replaced. GRCh37 (hg19): chr13:52,544,806-52,545,076.
Other names: c.1286-191_1365delinsGAA (NM_001406541.1, NM_001406531.1, NM_001406527.1 and 28 more transcripts); c.1190-191_1269delinsGAA (NM_001406543.1, NM_001406518.1, NM_001406544.1 and 3 more transcripts); c.953-191_1032delinsGAA (NM_001243182.2); c.1285+2995_1285+3265delinsGAA (NM_001406548.1); c.857-191_936delinsGAA (NM_001406539.1).
Identifiers: ClinVar variation 3657972 (VCV003657972.2).

ClinVar aggregate classification (germline): Likely pathogenic (1 of 4 stars; one submission).

Conditions:
Wilson disease (WND). Also called: Wilson's disease. Identifiers: Orphanet 905, MedGen C0019202, MONDO:0010200, OMIM 277900. Disease mechanism: loss of function.

Submission:

Labcorp Genetics (formerly Invitae), Labcorp
Classification: Likely pathogenic for Wilson disease. Last evaluated: 2024-06-26. Review status: criteria provided, single submitter. Criteria: Invitae Variant Classification Sherloc (09022015). Collection method: clinical testing. Allele origin: germline.
Comment: This variant results in the deletion of part of exon 3 (c.1286-191_1365delinsGAA) of the ATP7B gene. It is expected to disrupt RNA splicing. Variants that disrupt the donor or acceptor splice site typically lead to a loss of protein function (PMID: 16199547), and loss-of-function variants in ATP7B are known to be pathogenic (PMID: 10441329, 16283883). This variant is not present in population databases (gnomAD no frequency). This variant has not been reported in the literature in individuals affected with ATP7B-related conditions. In summary, the currently available evidence indicates that the variant is pathogenic, but additional data are needed to prove that conclusively. Therefore, this variant has been classified as Likely Pathogenic.

Literature cited by the submitters: PubMed 16199547; PubMed 10441329; PubMed 16283883.